The following is an entry in ClinVar:

ClinVar aggregate classification (germline): Likely pathogenic (1 of 4 stars; one submission).

Conditions:
Autosomal recessive limb-girdle muscular dystrophy type 2J (LGMDR10). Also called: Limb-girdle muscular dystrophy, type 2J; MUSCULAR DYSTROPHY, LIMB-GIRDLE, AUTOSOMAL RECESSIVE 10. Identifiers: Orphanet 140922, MedGen C1837342, MONDO:0012127, OMIM 608807.
Dilated cardiomyopathy 1G (CMD1G). Identifiers: Orphanet 154, MedGen C1858763, MONDO:0011400, OMIM 604145.

Submission:

Labcorp Genetics (formerly Invitae), Labcorp
Classification: Likely pathogenic for Dilated cardiomyopathy 1G; Autosomal recessive limb-girdle muscular dystrophy type 2J. Last evaluated: 2025-10-15. Review status: criteria provided, single submitter. Criteria: Invitae Variant Classification Sherloc (09022015). Collection method: clinical testing. Allele origin: germline.
Comment: This sequence change creates a premature translational stop signal (p.Ser6694Profs*23) in the TTN gene. While this is not anticipated to result in nonsense mediated decay, it is expected to create a truncated TTN protein. This variant is not present in population databases (gnomAD no frequency). This variant has not been reported in the literature in individuals affected with TTN-related conditions. This variant is located in the I band of TTN (PMID: 25589632). Truncating variants in this region have been reported in individuals affected with autosomal recessive centronuclear myopathy (PMID: 23975875, internal data). Truncating variants in this region have also been identified in individuals affected with autosomal dominant dilated cardiomyopathy and/or cardio-related conditions (PMID: 27869827, 32964742, internal data). In summary, the currently available evidence indicates that the variant is pathogenic, but additional data are needed to prove that conclusively. Therefore, this variant has been classified as Likely Pathogenic.

Literature cited by the submitters: PubMed 25589632; PubMed 23975875; PubMed 27869827; PubMed 32964742.

NM_001267550.2(TTN):c.20080del (p.Ser6694fs)

Genes: TTN (titin; minus strand), LOC126806429 (BRD4-independent group 4 enhancer GRCh37_chr2:179591393-179592592; plus strand). Cytogenetic location: 2q31.2.
Variant type: Deletion.
Coding change: c.20080del on transcript NM_001267550.2 (MANE Select); coding-DNA position 20080, one base deleted (T; older notation c.20080delT).
Protein change: p.Ser6694fs; shifts the reading frame from serine 6694.
Molecular consequence: frameshift variant. On other transcripts: intron variant (3).
Genome position (GRCh38, 1-based): chr2:178,727,285, A deleted on the plus strand (T on the coding strand, the reverse complement: TTN is on the minus strand). VCF-style (leftmost placement, unchanged base first): chr2-178727284-GA-G. GRCh37 (hg19) VCF-style: chr2-179592011-GA-G.
Other names: c.19129del, p.Ser6377fs (NM_001256850.1); c.16348del, p.Ser5450fs (NM_133378.4); c.13282+10797del (NM_003319.4); c.13858+10797del (NM_133437.4); c.13657+10797del (NM_133432.3); short protein forms S6694fs, S6377fs, S5450fs.
Identifiers: ClinVar variation 4786437 (VCV004786437.1).